The following is an entry in ClinVar:

ClinVar aggregate classification (germline): Uncertain significance (1 of 4 stars; one submission).

Conditions:
X-linked Alport syndrome (ATS1). Also called: NEPHROPATHY AND DEAFNESS, X-LINKED; COL4A5-Related Nephropathy. Identifiers: Orphanet 63, Orphanet 88917, MedGen C4746986, MONDO:0010520, OMIM 301050.

Submission:

Neuberg Centre For Genomic Medicine, NCGM
Classification: Uncertain significance for X-linked Alport syndrome. Review status: criteria provided, single submitter. Criteria: ACMG Guidelines, 2015. Collection method: clinical testing. Allele origin: germline. Inheritance: X-linked dominant inheritance. Affected: yes.
Comment: The observed missense c.554C>T(p.Pro185Leu) variant in COL4A5 gene has not been reported previously as a pathogenic variant nor a benign variant, to our knowledge. The p.Pro185Leu variant is absent in gnomAD Exomes. This variant has not been submitted to the ClinVar database. The amino acid change p.Pro185Leu in COL4A5 is predicted as conserved by GERP++ and PhyloP across 100 vertebrates. The amino acid Pro at position 185 is changed to a Leu changing protein sequence and it might alter its composition and physico-chemical properties. For these reasons, this variant has been classified as a Variant of Uncertain Significance (VUS).

NM_033380.3(COL4A5):c.554C>T (p.Pro185Leu)

Gene: COL4A5 (collagen type IV alpha 5 chain; plus strand). Cytogenetic location: Xq22.3.
Variant type: single nucleotide variant.
Coding change: c.554C>T on transcript NM_033380.3 (MANE Select); coding-DNA position 554, C replaced by T.
Protein change: p.Pro185Leu; replaces proline 185 with leucine.
Molecular consequence: missense variant.
Genome position (GRCh38, 1-based): chrX:108,575,917, C>T. VCF-style: chrX-108575917-C-T. GRCh37 (hg19) VCF-style: chrX-107819147-C-T.
Other names: c.554C>T, p.Pro185Leu (NM_000495.5); short protein forms P185L.
Identifiers: ClinVar variation 3242026 (VCV003242026.1), dbSNP rs1488731768.
Genomic context (GRCh38, chrX:108,575,917, plus strand): 5'-AAGGGGCTTGTTTTTCTTTTTTTTCATCATTTTCTTTACTCACTTTATAACAGGGCCTAC[C>T]TGGTCCCACTGGTATACCAGGGCCAATTGGTCCCCCAGGACCACCAGGTTTGATGGTAAG-3'
Protein context (NP_203699.1, residues 175-195): YPGPPGIQGL[Pro185Leu]GPTGIPGPIG